The following is an entry in ClinVar:

ClinVar aggregate classification (germline): Uncertain significance (1 of 4 stars; one submission).

Conditions:
RYR1-related disorder. Also called: RYR1-related condition; RYR1-related disorders. Identifiers: MedGen CN239331.

gnomAD v4.1: 1 of 1,581,800 alleles (0.000063%); highest among the groups gnomAD compares: Non-Finnish European, 0.000086%; no homozygotes.

Submission:

Labcorp Genetics (formerly Invitae), Labcorp
Classification: Uncertain significance for RYR1-related disorder. Last evaluated: 2024-08-18. Review status: criteria provided, single submitter. Criteria: Invitae Variant Classification Sherloc (09022015). Collection method: clinical testing. Allele origin: germline.
Comment: This sequence change replaces serine, which is neutral and polar, with phenylalanine, which is neutral and non-polar, at codon 3223 of the RYR1 protein (p.Ser3223Phe). This variant is not present in population databases (gnomAD no frequency). This variant has not been reported in the literature in individuals affected with RYR1-related conditions. Invitae Evidence Modeling of protein sequence and biophysical properties (such as structural, functional, and spatial information, amino acid conservation, physicochemical variation, residue mobility, and thermodynamic stability) has been performed for this missense variant. However, the output from this modeling did not meet the statistical confidence thresholds required to predict the impact of this variant on RYR1 protein function. In summary, the available evidence is currently insufficient to determine the role of this variant in disease. Therefore, it has been classified as a Variant of Uncertain Significance.

NM_000540.3(RYR1):c.9668C>T (p.Ser3223Phe)

Gene: RYR1 (ryanodine receptor 1; plus strand). Cytogenetic location: 19q13.2.
Variant type: single nucleotide variant.
Coding change: c.9668C>T on transcript NM_000540.3 (MANE Select); coding-DNA position 9668, C replaced by T.
Protein change: p.Ser3223Phe; replaces serine 3223 with phenylalanine.
Molecular consequence: missense variant.
Genome position (GRCh38, 1-based): chr19:38,516,200, C>T. VCF-style: chr19-38516200-C-T. GRCh37 (hg19) VCF-style: chr19-39006840-C-T.
Other names: c.9668C>T, p.Ser3223Phe (NM_001042723.2); short protein forms S3223F.
Identifiers: ClinVar variation 3626449 (VCV003626449.2).